The following is an entry in ClinVar:

NM_017849.4(TMEM127):c.-18C>T

Genes: TMEM127 (transmembrane protein 127; minus strand), LOC129934333 (ATAC-STARR-seq lymphoblastoid silent region 11759; plus strand). Cytogenetic location: 2q11.2.
Variant type: single nucleotide variant.
Coding change: c.-18C>T on transcript NM_017849.4 (MANE Select); 18 bases upstream of the start codon, C replaced by T.
Molecular consequence: 5 prime UTR variant.
Genome position (GRCh38, 1-based): chr2:96,265,399, G>A on the plus strand (C>T on the coding strand, the complement: TMEM127 is on the minus strand). VCF-style: chr2-96265399-G-A. GRCh37 (hg19) VCF-style: chr2-96931137-G-A.
Other names: c.-18C>T (NM_001193304.3).
Identifiers: ClinVar variation 126961 (VCV000126961.5), dbSNP rs121908813, ClinGen allele CA269735.
Genomic context (GRCh38, chr2:96,265,399, plus strand): 5'-GCCGGCGCCCGCCGGGCAGCCCTGCGCCTCCGGGGGCGTACATGCCCGGGGCCGCCCGCC[G>A]TCGCTCCGCAGTCGCTGCTGGTCGCCGCCGACCTCCGCGGGGCGCGCAGAGCCTGACAGT-3'

ClinVar aggregate classification (germline): Likely pathogenic. Review status: criteria provided, single submitter (1 of 4 stars). 2 submissions from 2 submitters: Likely pathogenic (1). 1 of the submissions does not count toward it.

Conditions:
Hereditary pheochromocytoma and paraganglioma. Also called: Hereditary Paraganglioma-Pheochromocytoma Syndromes; Hereditary paragangliomas and pheochromocytomas; Hereditary pheochromocytoma-paraganglioma. Identifiers: Orphanet 29072, MedGen C4274332, MONDO:0017366.
Pheochromocytoma. Also called: MAX-Related Hereditary Paraganglioma-Pheochromocytoma Syndrome. Identifiers: Orphanet 29072, MedGen C0031511, MONDO:0008233, OMIM 171300, HP:0002666.

Submissions (3):

Department of Pathology and Laboratory Medicine, Sinai Health System
Classification: Likely pathogenic for hereditary pheochromocytoma-paraganglioma. Review status: criteria provided, single submitter. Criteria: ACMG Guidelines, 2015. Collection method: clinical testing. Allele origin: germline.

Familial Cancer Clinic, Veneto Institute of Oncology
Classification: Likely pathogenic for Pheochromocytoma. Review status: no assertion criteria provided. Collection method: not provided. Allele origin: germline. Not counted in ClinVar's aggregate classification.
ClinVar note: Converted during submission from likely pathogenic - adrenal pheochromocytoma to Likely pathogenic.

Seelig Lab, University of Washington
No classification provided (evidence only). Review status: no classification provided. Collection method: in vitro. Allele origin: not applicable. Functional consequence: effect on translation. Not counted in ClinVar's aggregate classification.
ClinVar note: "not provided" was previously submitted as the classification for the variant. However, the classification appeared to be based only on an observation of functional data so it was converted to no classification on 2025-07-30.